The following is an entry in ClinVar:

ClinVar aggregate classification (germline): Pathogenic (1 of 4 stars; one submission).

Submission:

Labcorp Genetics (formerly Invitae), Labcorp
Classification: Pathogenic. Last evaluated: 2023-03-17. Review status: criteria provided, single submitter. Criteria: Invitae Variant Classification Sherloc (09022015). Collection method: clinical testing. Allele origin: germline.
Comment: This premature translational stop signal has been observed in individuals with autosomal recessive congenital ichthyosis (PMID: 24261627, 32573669). This variant is not present in population databases (gnomAD no frequency). This sequence change creates a premature translational stop signal (p.Leu717Phefs*34) in the TGM1 gene. While this is not anticipated to result in nonsense mediated decay, it is expected to disrupt the last 101 amino acid(s) of the TGM1 protein. ClinVar contains an entry for this variant (Variation ID: 2137572). For these reasons, this variant has been classified as Pathogenic. This variant disrupts a region of the TGM1 protein in which other variant(s) (p.Arg760*) have been determined to be pathogenic (PMID: 10914678, 21668430). This suggests that this is a clinically significant region of the protein, and that variants that disrupt it are likely to be disease-causing.

Literature cited by the submitters: PubMed 24261627; PubMed 32573669; PubMed 10914678; PubMed 21668430.

NM_000359.3(TGM1):c.2149del (p.Leu717fs)

Gene: TGM1 (transglutaminase 1; minus strand). Cytogenetic location: 14q12.
Variant type: Deletion.
Coding change: c.2149del on transcript NM_000359.3 (MANE Select); coding-DNA position 2149, one base deleted (C; older notation c.2149delC).
Protein change: p.Leu717fs; shifts the reading frame from leucine 717.
Molecular consequence: frameshift variant.
Genome position (GRCh38, 1-based): chr14:24,254,228, G deleted on the plus strand (C on the coding strand, the reverse complement: TGM1 is on the minus strand); the first of 5 consecutive G bases (chr14:24,254,228-24,254,232); deleting any one gives the same sequence. VCF-style (leftmost placement, unchanged base first): chr14-24254227-AG-A. GRCh37 (hg19) VCF-style: chr14-24723433-AG-A.
Other names: short protein forms L717fs.
Identifiers: ClinVar variation 2137572 (VCV002137572.4), dbSNP rs2502491794, ClinGen allele CA2497028710.
Genomic context (GRCh38, chr14:24,254,227, plus strand): 5'-TTGGGCCTCTGTAACCCAGAGCCTTCGAGCCGGAAGACGACATTGGTGAGGGTGACGGGA[AG>A]GGGGTTCTTGAAGACAATCTGTACTTCACACTCCTGGCCAACCACTGCTGCTCCCAGTAA-3'